The following is an entry in ClinVar:

ClinVar aggregate classification (germline): Uncertain significance (1 of 4 stars; one submission).

Submission:

Labcorp Genetics (formerly Invitae), Labcorp
Classification: Uncertain significance. Last evaluated: 2023-10-29. Review status: criteria provided, single submitter. Criteria: Invitae Variant Classification Sherloc (09022015). Collection method: clinical testing. Allele origin: germline.
Comment: This sequence change replaces alanine, which is neutral and non-polar, with valine, which is neutral and non-polar, at codon 294 of the CLCN7 protein (p.Ala294Val). This variant is not present in population databases (gnomAD no frequency). This variant has not been reported in the literature in individuals affected with CLCN7-related conditions. Advanced modeling of protein sequence and biophysical properties (such as structural, functional, and spatial information, amino acid conservation, physicochemical variation, residue mobility, and thermodynamic stability) performed at Invitae indicates that this missense variant is expected to disrupt CLCN7 protein function with a positive predictive value of 95%. In summary, the available evidence is currently insufficient to determine the role of this variant in disease. Therefore, it has been classified as a Variant of Uncertain Significance.

NM_001287.6(CLCN7):c.881C>T (p.Ala294Val)

Gene: CLCN7 (chloride voltage-gated channel 7; minus strand). Cytogenetic location: 16p13.3.
Variant type: single nucleotide variant.
Coding change: c.881C>T on transcript NM_001287.6 (MANE Select); coding-DNA position 881, C replaced by T.
Protein change: p.Ala294Val; replaces alanine 294 with valine.
Molecular consequence: missense variant.
Genome position (GRCh38, 1-based): chr16:1,456,148, G>A on the plus strand (C>T on the coding strand, the complement: CLCN7 is on the minus strand). VCF-style: chr16-1456148-G-A. GRCh37 (hg19) VCF-style: chr16-1506149-G-A.
Other names: c.809C>T, p.Ala270Val (NM_001114331.3); short protein forms A294V, A270V.
Identifiers: ClinVar variation 2881582 (VCV002881582.3), dbSNP rs1325736301, ClinGen allele CA394190323.